The following is an entry in ClinVar:

NM_172364.5(CACNA2D4):c.2316C>T (p.Phe772=)

Gene: CACNA2D4 (calcium voltage-gated channel auxiliary subunit alpha2delta 4; minus strand). Cytogenetic location: 12p13.33.
Variant type: single nucleotide variant.
Coding change: c.2316C>T on transcript NM_172364.5 (MANE Select); coding-DNA position 2316, C replaced by T.
Protein change: p.Phe772=; no amino-acid change (phenylalanine 772 retained).
Molecular consequence: synonymous variant.
Genome position (GRCh38, 1-based): chr12:1,846,620, G>A on the plus strand (C>T on the coding strand, the complement: CACNA2D4 is on the minus strand). VCF-style: chr12-1846620-G-A. GRCh37 (hg19) VCF-style: chr12-1955786-G-A.
Identifiers: ClinVar variation 262814 (VCV000262814.16), dbSNP rs11836202, ClinGen allele CA6386749.

ClinVar aggregate classification (germline): Benign. Review status: criteria provided, multiple submitters, no conflicts (2 of 4 stars). 5 submissions from 5 submitters: Benign (5). Last evaluated 2026-02-03.

Conditions:
Retinal cone dystrophy 4 (RCD4). Identifiers: Orphanet 1872, MedGen C1864849, MONDO:0012507, OMIM 610478.

Allele frequency attached by ClinVar (database versions not stated): ESP Exome Variant Server 0.03489; gnomAD exomes 0.04447 and 0.09673; gnomAD 0.05504 and 0.06534; TOPMed 0.07150; ExAC 0.14241; 1000 Genomes Project 30x 0.17161; 1000 Genomes Project 0.17851.
gnomAD v4.1: 75,229 of 1,601,608 alleles (4.7%); highest among the groups gnomAD compares: East Asian, 42%; 7,496 homozygotes.

Submissions (5):

Labcorp Genetics (formerly Invitae), Labcorp
Classification: Benign. Last evaluated: 2026-02-03. Review status: criteria provided, single submitter. Criteria: Invitae Variant Classification Sherloc (09022015). Collection method: clinical testing. Allele origin: germline.

Blueprint Genetics
Classification: Benign. Last evaluated: 2024-11-27. Review status: criteria provided, single submitter. Criteria: ACMG Guidelines, 2015. Collection method: clinical testing. Allele origin: germline.

Illumina Laboratory Services, Illumina
Classification: Benign for Retinal cone dystrophy 4. Last evaluated: 2018-01-13. Review status: criteria provided, single submitter. Criteria: ICSL Variant Classification Criteria 13 December 2019. Collection method: clinical testing. Allele origin: germline.
Comment: This variant was observed in the ICSL laboratory as part of a predisposition screen in an ostensibly healthy population. It had not been previously curated by ICSL or reported in the Human Gene Mutation Database (HGMD: prior to June 1st, 2018), and was therefore a candidate for classification through an automated scoring system. Utilizing variant allele frequency, disease prevalence and penetrance estimates, and inheritance mode, an automated score was calculated to assess if this variant is too frequent to cause the disease. Based on the score and internal cut-off values, a variant classified as benign is not then subjected to further curation. The score for this variant resulted in a classification of benign for this disease.

Breakthrough Genomics
Classification: Benign. Review status: criteria provided, single submitter. Criteria: ACMG Guidelines, 2015. Collection method: not provided. Allele origin: germline. Inheritance: Autosomal recessive inheritance. Affected: yes.

PreventionGenetics, part of Exact Sciences
Classification: Benign. Review status: criteria provided, single submitter. Criteria: ACMG Guidelines, 2015. Collection method: clinical testing. Allele origin: germline.